The following is an entry in ClinVar:

NM_025243.4(SLC19A3):c.756G>A (p.Leu252=)

Gene: SLC19A3 (solute carrier family 19 member 3; minus strand). Cytogenetic location: 2q36.3.
Variant type: single nucleotide variant.
Coding change: c.756G>A on transcript NM_025243.4 (MANE Select); coding-DNA position 756, G replaced by A.
Protein change: p.Leu252=; no amino-acid change (leucine 252 retained).
Molecular consequence: synonymous variant.
Genome position (GRCh38, 1-based): chr2:227,698,959, C>T on the plus strand (G>A on the coding strand, the complement: SLC19A3 is on the minus strand). VCF-style: chr2-227698959-C-T. GRCh37 (hg19) VCF-style: chr2-228563675-C-T.
Other names: p.L252L:CTG>CTA.
Identifiers: ClinVar variation 139124 (VCV000139124.52), dbSNP rs12185721, ClinGen allele CA293496.

ClinVar aggregate classification (germline): Benign/Likely benign. Review status: criteria provided, multiple submitters, no conflicts (2 of 4 stars). 8 submissions from 8 submitters: Benign (6); Likely benign (1). 1 of the submissions does not count toward it. Last evaluated 2026-09-01.

Conditions:
Biotin-responsive basal ganglia disease (BTBGD). Also called: Thiamine metabolism dysfunction syndrome 2 (biotin- or thiamine-responsive encephalopathy type 2); Thiamine Transporter-2 Deficiency; thiamine-responsive encephalopathy; THIAMINE METABOLISM DYSFUNCTION SYNDROME 2 (BIOTIN- AND THIAMINE-RESPONSIVE TYPE); Thiamine metabolism dysfunction syndrome type 2. Identifiers: Orphanet 199348, Orphanet 65284, MedGen C1843807, MONDO:0011841, OMIM 607483.

Allele frequency attached by ClinVar (database versions not stated): 1000 Genomes Project 0.00539; 1000 Genomes Project 30x 0.00656; TOPMed 0.00808; gnomAD 0.00883 and 0.00895; gnomAD exomes 0.00983 and 0.01238; ExAC 0.01035; ESP Exome Variant Server 0.01046.

Submissions (8):

CeGaT Center for Human Genetics Tuebingen
Classification: Benign. Last evaluated: 2026-09-01. Review status: criteria provided, single submitter. Criteria: CeGaT Center For Human Genetics Tuebingen Variant Classification Criteria Version 2. Collection method: clinical testing. Allele origin: germline. Affected: yes. Observed: 47 variant alleles.
Comment: SLC19A3: BP4, BP7, BS1, BS2

Labcorp Genetics (formerly Invitae), Labcorp
Classification: Benign for Biotin-responsive basal ganglia disease. Last evaluated: 2026-02-04. Review status: criteria provided, single submitter. Criteria: Invitae Variant Classification Sherloc (09022015). Collection method: clinical testing. Allele origin: germline.

Athena Diagnostics
Classification: Benign. Last evaluated: 2025-04-14. Review status: criteria provided, single submitter. Criteria: Athena Diagnostics Criteria. Collection method: clinical testing. Allele origin: unknown.
Comment: The frequency of this variant in the general population is higher than would generally be expected for pathogenic variants in this gene.

Blueprint Genetics
Classification: Likely benign. Last evaluated: 2024-11-22. Review status: criteria provided, single submitter. Criteria: ACMG Guidelines, 2015. Collection method: clinical testing. Allele origin: germline.

Illumina Laboratory Services, Illumina
Classification: Benign for Biotin-responsive basal ganglia disease. Last evaluated: 2018-01-13. Review status: criteria provided, single submitter. Criteria: ICSL Variant Classification Criteria 13 December 2019. Collection method: clinical testing. Allele origin: germline.
Comment: This variant was observed in the ICSL laboratory as part of a predisposition screen in an ostensibly healthy population. It had not been previously curated by ICSL or reported in the Human Gene Mutation Database (HGMD: prior to June 1st, 2018), and was therefore a candidate for classification through an automated scoring system. Utilizing variant allele frequency, disease prevalence and penetrance estimates, and inheritance mode, an automated score was calculated to assess if this variant is too frequent to cause the disease. Based on the score and internal cut-off values, a variant classified as benign is not then subjected to further curation. The score for this variant resulted in a classification of benign for this disease.

GeneDx
Classification: Benign. Last evaluated: 2013-11-25. Review status: criteria provided, single submitter. Criteria: GeneDx Variant Classification (06012015). Collection method: clinical testing. Allele origin: germline. Affected: yes.
Comment: This variant is considered likely benign or benign based on one or more of the following criteria: it is a conservative change, it occurs at a poorly conserved position in the protein, it is predicted to be benign by multiple in silico algorithms, and/or has population frequency not consistent with disease.

Breakthrough Genomics
Classification: Benign. Review status: criteria provided, single submitter. Criteria: ACMG Guidelines, 2015. Collection method: not provided. Allele origin: germline. Inheritance: Autosomal recessive inheritance. Affected: yes.

Mayo Clinic Laboratories, Mayo Clinic
Classification: Benign. Last evaluated: 2016-03-02. Review status: no assertion criteria provided. Collection method: clinical testing. Allele origin: unknown. Not counted in ClinVar's aggregate classification.